The following is an entry in ClinVar:

NM_004304.5(ALK):c.1154+5G>A

Gene: ALK (ALK receptor tyrosine kinase; minus strand). Cytogenetic location: 2p23.2.
Variant type: single nucleotide variant.
Coding change: c.1154+5G>A on transcript NM_004304.5 (MANE Select); 5 bases into the intron after coding-DNA position 1154, G replaced by A.
Molecular consequence: intron variant.
Genome position (GRCh38, 1-based): chr2:29,531,910, C>T on the plus strand (G>A on the coding strand, the complement: ALK is on the minus strand). VCF-style: chr2-29531910-C-T. GRCh37 (hg19) VCF-style: chr2-29754776-C-T.
Other names: c.1154+5G>A (NM_004304.4).
Identifiers: ClinVar variation 1449906 (VCV001449906.7), dbSNP rs2148158406, ClinGen allele CA2573134586.

ClinVar aggregate classification (germline): Uncertain significance. Review status: criteria provided, multiple submitters, no conflicts (2 of 4 stars). 2 submissions from 2 submitters: Uncertain significance (2). Last evaluated 2026-01-20.

Conditions:
Hereditary cancer-predisposing syndrome. Also called: Tumor predisposition; Hereditary neoplastic syndrome; Hereditary Cancer Syndrome; Neoplastic Syndromes, Hereditary. Identifiers: Orphanet 140162, MedGen C0027672, MeSH D009386, MONDO:0015356.
Neuroblastoma, susceptibility to, 3. Also called: ALK-Related Neuroblastic Tumor Susceptibility. Identifiers: Orphanet 635, MedGen C2751681, MONDO:0013083, OMIM 613014.

gnomAD v4.1: 2 of 1,614,098 alleles (0.00012%); highest among the groups gnomAD compares: Non-Finnish European, 0.00017%; no homozygotes.

Submissions (2):

Labcorp Genetics (formerly Invitae), Labcorp
Classification: Uncertain significance for Neuroblastoma, susceptibility to, 3. Last evaluated: 2026-01-20. Review status: criteria provided, single submitter. Criteria: Invitae Variant Classification Sherloc (09022015). Collection method: clinical testing. Allele origin: germline.
Comment: This sequence change falls in intron 4 of the ALK gene. It does not directly change the encoded amino acid sequence of the ALK protein. It affects a nucleotide within the consensus splice site. This variant is not present in population databases (gnomAD no frequency). This variant has not been reported in the literature in individuals affected with ALK-related conditions. ClinVar contains an entry for this variant (Variation ID: 1449906). Variants that disrupt the consensus splice site are a relatively common cause of aberrant splicing (PMID: 17576681, 9536098). Algorithms developed to predict the effect of sequence changes on RNA splicing suggest that this variant is not likely to affect RNA splicing. In summary, the available evidence is currently insufficient to determine the role of this variant in disease. Therefore, it has been classified as a Variant of Uncertain Significance.

Ambry Genetics
Classification: Uncertain significance for Hereditary cancer-predisposing syndrome. Last evaluated: 2025-07-11. Review status: criteria provided, single submitter. Criteria: Ambry Variant Classification Scheme 2023. Collection method: clinical testing. Allele origin: germline.
Comment: The c.1154+5G>A intronic variant results from a G to A substitution 5 nucleotides after coding exon 4 in the ALK gene. This nucleotide position is highly conserved in available vertebrate species. In silico splice site analysis predicts that this alteration will not have any significant effect on splicing. Based on the available evidence, the clinical significance of this variant remains unclear.

Literature cited by the submitters: PubMed 17576681 (cited by Labcorp Genetics (formerly Invitae), Labcorp); PubMed 9536098 (cited by Labcorp Genetics (formerly Invitae), Labcorp).